The following is an entry in ClinVar:

NM_017780.4(CHD7):c.7776del (p.Glu2593fs)

Gene: CHD7 (chromodomain helicase DNA binding protein 7; plus strand). Cytogenetic location: 8q12.2.
Variant type: Deletion.
Coding change: c.7776del on transcript NM_017780.4 (MANE Select); coding-DNA position 7776, one base deleted (T; older notation c.7776delT).
Protein change: p.Glu2593fs; shifts the reading frame from glutamic acid 2593.
Molecular consequence: frameshift variant. On other transcripts: intron variant (1).
Genome position (GRCh38, 1-based): chr8:60,861,071, T deleted; the last of 2 consecutive T bases (chr8:60,861,070-60,861,071); deleting either gives the same sequence. VCF-style (leftmost placement, unchanged base first): chr8-60861069-GT-G. GRCh37 (hg19) VCF-style: chr8-61773628-GT-G.
Other names: c.1717-1158del (NM_001316690.1); short protein forms E2593fs.
Identifiers: ClinVar variation 2030496 (VCV002030496.4), dbSNP rs2488108356, ClinGen allele CA2580078844.
Genomic context (GRCh38, chr8:60,861,069, plus strand): 5'-ATCAATCTTGAAGATGGGACTAGGCTGGTGGGGGAAGATGCTCCTAAAAATAAGGATTTA[GT>G]TGAATGGCTGAAGCTGCACCCTACTTACACTGTTGATATGCCAAGTTATGTACCAGTGAG-3'

ClinVar aggregate classification (germline): Pathogenic (1 of 4 stars; one submission).

Conditions:
CHARGE syndrome (CHARGE). Also called: Hittner Hirsch Kreh syndrome; CHARGE ASSOCIATION--COLOBOMA, HEART ANOMALY, CHOANAL ATRESIA, RETARDATION, GENITAL AND EAR ANOMALIES; Coloboma, heart anomaly, choanal atresia, retardation, genital and ear anomalies; CHARGE association; Hall-Hittner syndrome. Identifiers: Orphanet 138, MedGen C0265354, MONDO:0008965.

Submission:

Labcorp Genetics (formerly Invitae), Labcorp
Classification: Pathogenic for CHARGE syndrome. Last evaluated: 2022-09-14. Review status: criteria provided, single submitter. Criteria: Invitae Variant Classification Sherloc (09022015). Collection method: clinical testing. Allele origin: germline.
Comment: For these reasons, this variant has been classified as Pathogenic. This premature translational stop signal has been observed in individual(s) with CHD7-related conditions (PMID: 33502061). This variant is not present in population databases (gnomAD no frequency). This sequence change creates a premature translational stop signal (p.Glu2593Asnfs*3) in the CHD7 gene. It is expected to result in an absent or disrupted protein product. Loss-of-function variants in CHD7 are known to be pathogenic (PMID: 22461308, 25077900).

Literature cited by the submitters: PubMed 33502061; PubMed 22461308; PubMed 25077900.